The following is an entry in ClinVar:

ClinVar aggregate classification (germline): Uncertain significance (1 of 4 stars; one submission).

Submission:

Labcorp Genetics (formerly Invitae), Labcorp
Classification: Uncertain significance. Last evaluated: 2026-01-20. Review status: criteria provided, single submitter. Criteria: Invitae Variant Classification Sherloc (09022015). Collection method: clinical testing. Allele origin: germline.
Comment: This sequence change replaces lysine, which is basic and polar, with glutamine, which is neutral and polar, at codon 106 of the NR2E3 protein (p.Lys106Gln). This variant is not present in population databases (gnomAD no frequency). This variant has not been reported in the literature in individuals affected with NR2E3-related conditions. Invitae Evidence Modeling of protein sequence and biophysical properties (such as structural, functional, and spatial information, amino acid conservation, physicochemical variation, residue mobility, and thermodynamic stability) indicates that this missense variant is not expected to disrupt NR2E3 protein function with a negative predictive value of 80%. In summary, the available evidence is currently insufficient to determine the role of this variant in disease. Therefore, it has been classified as a Variant of Uncertain Significance.

NM_014249.4(NR2E3):c.316A>C (p.Lys106Gln)

Gene: NR2E3 (nuclear receptor subfamily 2 group E member 3; plus strand). Cytogenetic location: 15q23.
Variant type: single nucleotide variant.
Coding change: c.316A>C on transcript NM_014249.4 (MANE Select); coding-DNA position 316, A replaced by C.
Protein change: p.Lys106Gln; replaces lysine 106 with glutamine.
Molecular consequence: missense variant.
Genome position (GRCh38, 1-based): chr15:71,811,836, A>C. VCF-style: chr15-71811836-A-C. GRCh37 (hg19) VCF-style: chr15-72104176-A-C.
Other names: c.316A>C, p.Lys106Gln (NM_016346.4); short protein forms K106Q.
Identifiers: ClinVar variation 4736659 (VCV004736659.1).